The following is an entry in ClinVar:

NM_000059.4(BRCA2):c.8042del (p.Thr2681fs)

Gene: BRCA2 (BRCA2 DNA repair associated; plus strand). Cytogenetic location: 13q13.1.
Variant type: Deletion.
Coding change: c.8042del on transcript NM_000059.4 (MANE Select); coding-DNA position 8042, one base deleted (C; older notation c.8042delC).
Protein change: p.Thr2681fs; shifts the reading frame from threonine 2681.
Molecular consequence: frameshift variant. On other transcripts: non-coding transcript variant (1).
Genome position (GRCh38, 1-based): chr13:32,363,244, C deleted. VCF-style (leftmost placement, unchanged base first): chr13-32363243-AC-A. GRCh37 (hg19) VCF-style: chr13-32937380-AC-A.
Other names: c.7946del, p.Thr2649fs (NM_001406719.1); c.8042del, p.Thr2681fs (NM_001406720.1, NM_001432077.1); c.3110del, p.Thr1037fs (NM_001406721.1); c.1625del, p.Thr542fs (NM_001406722.1); short protein forms T2649fs, T2681fs, T542fs, T1037fs.
Identifiers: ClinVar variation 3482086 (VCV003482086.1).

ClinVar aggregate classification (germline): Pathogenic (1 of 4 stars; one submission).

Conditions:
Hereditary cancer-predisposing syndrome. Also called: Tumor predisposition; Neoplastic Syndromes, Hereditary; Hereditary Cancer Syndrome; Hereditary neoplastic syndrome. Identifiers: Orphanet 140162, MedGen C0027672, MeSH D009386, MONDO:0015356.

Submission:

Ambry Genetics
Classification: Pathogenic for Hereditary cancer-predisposing syndrome. Last evaluated: 2024-09-13. Review status: criteria provided, single submitter. Criteria: Ambry Variant Classification Scheme 2023. Collection method: clinical testing. Allele origin: germline.
Comment: The c.8042delC pathogenic mutation, located in coding exon 17 of the BRCA2 gene, results from a deletion of one nucleotide at nucleotide position 8042, causing a translational frameshift with a predicted alternate stop codon (p.T2681Kfs*13). This variant is considered to be rare based on population cohorts in the Genome Aggregation Database (gnomAD). This alteration is expected to result in loss of function by premature protein truncation or nonsense-mediated mRNA decay. As such, this alteration is interpreted as a disease-causing mutation.